The following is an entry in ClinVar:

ClinVar aggregate classification (germline): Uncertain significance. Review status: criteria provided, multiple submitters, no conflicts (2 of 4 stars). 6 submissions from 5 submitters: Uncertain significance (3). 3 of the submissions do not count toward it. Last evaluated 2023-01-01.

Conditions:
Familial long QT syndrome (RWS). Also called: Romano-Ward syndrome; VENTRICULAR FIBRILLATION WITH PROLONGED QT INTERVAL; Congenital long QT syndrome. Identifiers: Orphanet 768, MedGen C1141890, MONDO:0019171.
Long QT syndrome 2/5, digenic (LQT2/5, DIGENIC). Also called: Long QT syndrome 2/5. Identifiers: MedGen C3279092.
Long QT syndrome 2 (LQT2). Identifiers: Orphanet 101016, Orphanet 768, MedGen C3150943, MONDO:0013367, OMIM 613688.
Short QT syndrome type 1. Identifiers: Orphanet 51083, MedGen C1865020, MONDO:0012312, OMIM 609620.
Long QT syndrome (LQTS). Identifiers: MedGen C0023976, MeSH D008133, MONDO:0002442. Disease mechanism: loss of function. Inheritance: Various modes of inheritance.

Allele frequency attached by ClinVar (database versions not stated): gnomAD exomes 0.00002.
gnomAD v4.1: 19 of 1,614,114 alleles (0.0012%); highest among the groups gnomAD compares: Non-Finnish European, 0.0016%; no homozygotes.

Submissions (6):

Labcorp Genetics (formerly Invitae), Labcorp
Classification: Uncertain significance for Long QT syndrome. Last evaluated: 2023-01-01. Review status: criteria provided, single submitter. Criteria: Invitae Variant Classification Sherloc (09022015). Collection method: clinical testing. Allele origin: germline.
Comment: Algorithms developed to predict the effect of missense changes on protein structure and function are either unavailable or do not agree on the potential impact of this missense change (SIFT: "Deleterious"; PolyPhen-2: "Probably Damaging"; Align-GVGD: "Class C15"). ClinVar contains an entry for this variant (Variation ID: 14440). This missense change has been observed in individual(s) with long QT syndrome (PMID: 11854117, 15051636). This variant is not present in population databases (gnomAD no frequency). This sequence change replaces asparagine, which is neutral and polar, with isoleucine, which is neutral and non-polar, at codon 861 of the KCNH2 protein (p.Asn861Ile). Experimental studies have shown that this missense change affects KCNH2 function (PMID: 24204727, 25417810). In summary, the available evidence is currently insufficient to determine the role of this variant in disease. Therefore, it has been classified as a Variant of Uncertain Significance.

AiLife Diagnostics
Classification: Uncertain significance. Last evaluated: 2021-09-29. Review status: criteria provided, single submitter. Criteria: ACMG Guidelines, 2015. Collection method: clinical testing. Allele origin: germline. Affected: yes. Observed: 1 variant allele.

Fulgent Genetics
Classification: Uncertain significance for Short QT syndrome type 1; Long QT syndrome 2. Last evaluated: 2021-07-26. Review status: criteria provided, single submitter. Criteria: ACMG Guidelines, 2015. Collection method: clinical testing. Allele origin: unknown.

OMIM
Classification: Pathogenic for LONG QT SYNDROME 2. Last evaluated: 2004-04-20. Review status: no assertion criteria provided. Collection method: literature only. Allele origin: germline. Not counted in ClinVar's aggregate classification.

OMIM
Classification: Pathogenic for LONG QT SYNDROME 2/5, DIGENIC. Last evaluated: 2004-04-20. Review status: no assertion criteria provided. Collection method: literature only. Allele origin: germline. Not counted in ClinVar's aggregate classification.

Cardiovascular Biomedical Research Unit, Royal Brompton & Harefield NHS Foundation Trust
No classification provided. Condition: Familial long QT syndrome. Review status: no classification provided. Collection method: literature only. Allele origin: germline. Not counted in ClinVar's aggregate classification.
Comment: This variant has been reported as associated with Long QT syndrome in the following publications (PMID:10973849;PMID:11854117;PMID:15051636). This is a literature report, and does not necessarily reflect the clinical interpretation of the Imperial College / Royal Brompton Cardiovascular Genetics laboratory.

Literature cited by the submitters: PubMed 11854117 (cited by Labcorp Genetics (formerly Invitae), Labcorp and Cardiovascular Biomedical Research Unit, Royal Brompton & Harefield NHS Foundation Trust); PubMed 15051636 (cited by 3 submitters); PubMed 24204727 (cited by Labcorp Genetics (formerly Invitae), Labcorp); PubMed 25417810 (cited by Labcorp Genetics (formerly Invitae), Labcorp and AiLife Diagnostics); PubMed 10973849 (cited by 3 submitters); PubMed 22581653 (cited by Cardiovascular Biomedical Research Unit, Royal Brompton & Harefield NHS Foundation Trust).

NM_000238.4(KCNH2):c.2582A>T (p.Asn861Ile)

Gene: KCNH2 (potassium voltage-gated channel subfamily H member 2; minus strand). Cytogenetic location: 7q36.1.
Variant type: single nucleotide variant.
Coding change: c.2582A>T on transcript NM_000238.4 (MANE Select); coding-DNA position 2582, A replaced by T.
Protein change: p.Asn861Ile; replaces asparagine 861 with isoleucine.
Molecular consequence: missense variant.
Genome position (GRCh38, 1-based): chr7:150,948,866, T>A on the plus strand (A>T on the coding strand, the complement: KCNH2 is on the minus strand). VCF-style: chr7-150948866-T-A. GRCh37 (hg19) VCF-style: chr7-150645954-T-A.
Other names: c.1562A>T, p.Asn521Ile (NM_172057.3); c.2582A>T (LRG_288t1); short protein forms N861I, N521I.
Identifiers: ClinVar variation 14440 (VCV000014440.6), dbSNP rs121912513, ClinGen allele CA007008.
Genomic context (GRCh38, chr7:150,948,866, plus strand): 5'-ACACAGCTGGAAGCAGGAGGATGGGGTCCAGCTCAGGGCAGCCAACTCACATCTCGCAGG[T>A]TGAAGGTGATCTCCAGGCTGGACCAGAAGTGGTCGGAGAACTCAGGGTACATGTCCAGCA-3'
Protein context (NP_000229.1, residues 851-871): HFWSSLEITF[Asn861Ile]LRDTNMIPGS